The following is an entry in ClinVar:

NM_004380.3(CREBBP):c.6111G>T (p.Arg2037Ser)

Gene: CREBBP (CREB binding lysine acetyltransferase; minus strand). Cytogenetic location: 16p13.3.
Variant type: single nucleotide variant.
Coding change: c.6111G>T on transcript NM_004380.3 (MANE Select); coding-DNA position 6111, G replaced by T.
Protein change: p.Arg2037Ser; replaces arginine 2037 with serine.
Molecular consequence: missense variant.
Genome position (GRCh38, 1-based): chr16:3,728,936, C>A on the plus strand (G>T on the coding strand, the complement: CREBBP is on the minus strand). VCF-style: chr16-3728936-C-A. GRCh37 (hg19) VCF-style: chr16-3778937-C-A.
Other names: c.5997G>T, p.Arg1999Ser (NM_001079846.1); short protein forms R2037S, R1999S.
Identifiers: ClinVar variation 4702394 (VCV004702394.1).
Genomic context (GRCh38, chr16:3,728,936, plus strand): 5'-CTGCACGCTGGGCATCCGGGGCCCAGCCACGGCCGCCTGGGCCTGCATGGATATCACAGG[C>A]CTGGGCAAGCCTGGCATGGGCTGCTGCTGGGGAAGGGGCGCCTGCTGCCACTGCCCGGGA-3'
Protein context (NP_004371.2, residues 2027-2047): PQQQPMPGLP[Arg2037Ser]PVISMQAQAA

ClinVar aggregate classification (germline): Uncertain significance (1 of 4 stars; one submission).

Conditions:
Rubinstein-Taybi syndrome (RSTS). Identifiers: Orphanet 783, MedGen C0035934, MONDO:0019188.

gnomAD v4.1: 1 of 1,601,104 alleles (0.000062%); highest among the groups gnomAD compares: Non-Finnish European, 0.000085%; no homozygotes.

Submission:

Labcorp Genetics (formerly Invitae), Labcorp
Classification: Uncertain significance for Rubinstein-Taybi syndrome. Last evaluated: 2025-07-09. Review status: criteria provided, single submitter. Criteria: Invitae Variant Classification Sherloc (09022015). Collection method: clinical testing. Allele origin: germline.
Comment: This sequence change replaces arginine, which is basic and polar, with serine, which is neutral and polar, at codon 2037 of the CREBBP protein (p.Arg2037Ser). This variant is not present in population databases (gnomAD no frequency). This variant has not been reported in the literature in individuals affected with CREBBP-related conditions. Invitae Evidence Modeling of protein sequence and biophysical properties (such as structural, functional, and spatial information, amino acid conservation, physicochemical variation, residue mobility, and thermodynamic stability) indicates that this missense variant is not expected to disrupt CREBBP protein function with a negative predictive value of 95%. In summary, the available evidence is currently insufficient to determine the role of this variant in disease. Therefore, it has been classified as a Variant of Uncertain Significance.